The following is an entry in ClinVar:

NM_016219.5(MAN1B1):c.1285C>T (p.His429Tyr)

Gene: MAN1B1 (mannosidase alpha class 1B member 1; plus strand). Cytogenetic location: 9q34.3.
Variant type: single nucleotide variant.
Coding change: c.1285C>T on transcript NM_016219.5 (MANE Select); coding-DNA position 1285, C replaced by T.
Protein change: p.His429Tyr; replaces histidine 429 with tyrosine.
Molecular consequence: missense variant. On other transcripts: non-coding transcript variant (2).
Genome position (GRCh38, 1-based): chr9:137,106,155, C>T. VCF-style: chr9-137106155-C-T. GRCh37 (hg19) VCF-style: chr9-140000607-C-T.
Other names: short protein forms H429Y.
Identifiers: ClinVar variation 1336109 (VCV001336109.5), dbSNP rs769255216, ClinGen allele CA201698019.

ClinVar aggregate classification (germline): Uncertain significance. Review status: criteria provided, multiple submitters, no conflicts (2 of 4 stars). 2 submissions from 2 submitters: Uncertain significance (2). Last evaluated 2025-11-18.

Conditions:
Rafiq syndrome (RAFQS). Identifiers: Orphanet 88616, MedGen C3280127, MONDO:0013624, OMIM 614202.

Allele frequency attached by ClinVar (database versions not stated): gnomAD exomes 0.00001 and below 0.00001; TOPMed 0.00002; gnomAD 0.00001.
gnomAD v4.1: 20 of 1,612,902 alleles (0.0012%); highest among the groups gnomAD compares: Non-Finnish European, 0.0016%; no homozygotes.

Submissions (2):

Labcorp Genetics (formerly Invitae), Labcorp
Classification: Uncertain significance for Rafiq syndrome. Last evaluated: 2025-11-18. Review status: criteria provided, single submitter. Criteria: Invitae Variant Classification Sherloc (09022015). Collection method: clinical testing. Allele origin: germline.
Comment: This sequence change replaces histidine, which is basic and polar, with tyrosine, which is neutral and polar, at codon 429 of the MAN1B1 protein (p.His429Tyr). This variant is present in population databases (rs769255216, gnomAD 0.0009%). This variant has not been reported in the literature in individuals affected with MAN1B1-related conditions. ClinVar contains an entry for this variant (Variation ID: 1336109). An algorithm developed to predict the effect of missense changes on protein structure and function (PolyPhen-2) suggests that this variant is likely to be disruptive. In summary, the available evidence is currently insufficient to determine the role of this variant in disease. Therefore, it has been classified as a Variant of Uncertain Significance.

Genetic Services Laboratory, University of Chicago
Classification: Uncertain significance. Last evaluated: 2017-07-17. Review status: criteria provided, single submitter. Criteria: ACMG Guidelines, 2015. Collection method: clinical testing. Allele origin: germline. Affected: no.